The following is an entry in ClinVar:

Conditions:
Breast-ovarian cancer, familial, susceptibility to, 1 (BROVCA1). Also called: BRCA1 Hereditary Breast and Ovarian Cancer; OVARIAN CANCER, SUSCEPTIBILITY TO. Identifiers: Orphanet 145, MedGen C2676676, MONDO:0011450, OMIM 604370. Disease mechanism: loss of function.

Submission:

Brotman Baty Institute, University of Washington
No classification provided (evidence only). Condition: Breast-ovarian cancer, familial 1. Review status: no classification provided. Collection method: in vitro. Allele origin: not applicable. Functional consequence: functionally_normal.
ClinVar note: "not provided" was previously submitted as the classification for the variant. However, the classification appeared to be based only on an observation of functional data so it was converted to no classification on 2025-07-30.

NM_007294.4(BRCA1):c.39T>C (p.Asn13=)

Gene: BRCA1 (BRCA1 DNA repair associated; minus strand). Cytogenetic location: 17q21.31.
Variant type: single nucleotide variant.
Coding change: c.39T>C on transcript NM_007294.4 (MANE Select); coding-DNA position 39, T replaced by C.
Protein change: p.Asn13=; no amino-acid change (asparagine 13 retained).
Molecular consequence: synonymous variant. On other transcripts: 5 prime UTR variant (136), intron variant (36).
Genome position (GRCh38, 1-based): chr17:43,124,058, A>G on the plus strand (T>C on the coding strand, the complement: BRCA1 is on the minus strand). VCF-style: chr17-43124058-A-G. GRCh37 (hg19) VCF-style: chr17-41276075-A-G.
Other names: c.39T>C, p.Asn13= (NM_001407686.1, NM_001407687.1, NM_001407688.1 and 193 more transcripts); c.-219T>C (NM_001407694.1, NM_001407724.1, NM_001407727.1 and 11 more transcripts); c.-223T>C (NM_001407695.1, NM_001408465.1); c.-364T>C (NM_001407696.1); c.-248T>C (NM_001407697.1, NM_001407846.1, NM_001407920.1); c.-49T>C (NM_001407698.1, NM_001407732.1, NM_001407736.1 and 23 more transcripts); c.-222T>C (NM_001407725.1, NM_001407730.1, NM_001407734.1 and 22 more transcripts); c.-168T>C (NM_001407726.1, NM_001407751.1); and 23 more.
Identifiers: ClinVar variation 869090 (VCV000869090.3), dbSNP rs2055733269, ClinGen allele CA500131470.